The following is an entry in ClinVar:

NM_014317.5(PDSS1):c.582A>G (p.Thr194=)

Gene: PDSS1 (decaprenyl diphosphate synthase subunit 1; plus strand). Cytogenetic location: 10p12.1.
Variant type: single nucleotide variant.
Coding change: c.582A>G on transcript NM_014317.5 (MANE Select); coding-DNA position 582, A replaced by G.
Protein change: p.Thr194=; no amino-acid change (threonine 194 retained).
Molecular consequence: synonymous variant.
Genome position (GRCh38, 1-based): chr10:26,720,332, A>G. VCF-style: chr10-26720332-A-G. GRCh37 (hg19) VCF-style: chr10-27009261-A-G.
Other names: c.582A>G, p.Thr194= (NM_001321978.2); c.72A>G, p.Thr24= (NM_001321979.2); c.582A>G (NM_014317.4).
Identifiers: ClinVar variation 2183692 (VCV002183692.7), dbSNP rs753411855, ClinGen allele CA5446960.

ClinVar aggregate classification (germline): Conflicting classifications of pathogenicity. Review status: criteria provided, conflicting classifications (1 of 4 stars). 3 submissions from 3 submitters: Uncertain significance (1); Likely benign (1). 1 of the submissions does not count toward it. Last evaluated 2024-02-20.

Conditions:
Deafness-encephaloneuropathy-obesity-valvulopathy syndrome. Identifiers: Orphanet 254898, MedGen C3553354, MONDO:0013837, OMIM 614651.
PDSS1-related disorder. Also called: PDSS1-related condition.

Allele frequency attached by ClinVar (database versions not stated): gnomAD exomes 0.00001; ExAC 0.00002.
gnomAD v4.1: 11 of 1,613,410 alleles (0.00068%); highest among the groups gnomAD compares: Non-Finnish European, 0.00093%; no homozygotes.

Submissions (3):

Fulgent Genetics
Classification: Uncertain significance for Deafness-encephaloneuropathy-obesity-valvulopathy syndrome. Last evaluated: 2024-02-20. Review status: criteria provided, single submitter. Criteria: ACMG Guidelines, 2015. Collection method: clinical testing. Allele origin: germline.

Labcorp Genetics (formerly Invitae), Labcorp
Classification: Likely benign. Last evaluated: 2022-02-14. Review status: criteria provided, single submitter. Criteria: Invitae Variant Classification Sherloc (09022015). Collection method: clinical testing. Allele origin: germline.

PreventionGenetics, part of Exact Sciences
Classification: Likely benign for PDSS1-related condition. Last evaluated: 2022-11-10. Review status: no assertion criteria provided. Collection method: clinical testing. Allele origin: germline. Not counted in ClinVar's aggregate classification.
Comment: This variant is classified as likely benign based on ACMG/AMP sequence variant interpretation guidelines (Richards et al. 2015 PMID: 25741868, with internal and published modifications).